The following is an entry in ClinVar:

ClinVar aggregate classification (germline): Uncertain significance. Review status: criteria provided, multiple submitters, no conflicts (2 of 4 stars). 2 submissions from 2 submitters: Uncertain significance (2). Last evaluated 2025-11-08.

Conditions:
Hereditary spastic paraplegia 3A (SPG3A). Also called: Spastic paraplegia 3A, autosomal dominant; SPASTIC PARAPLEGIA 3, AUTOSOMAL DOMINANT; FAMILIAL SPASTIC PARAPLEGIA, AUTOSOMAL DOMINANT, 1; SPG3; STRUMPELL DISEASE; Spastic Paraplegia 3A. Identifiers: Orphanet 100984, MedGen C2931355, MONDO:0008437, OMIM 182600.
Inborn genetic diseases. Identifiers: MedGen C0950123, MeSH D030342.

Allele frequency attached by ClinVar (database versions not stated): gnomAD exomes below 0.00001; ExAC 0.00001; gnomAD 0.00001.
gnomAD v4.1: 4 of 1,614,090 alleles (0.00025%); highest among the groups gnomAD compares: East Asian, 0.0022%; no homozygotes.

Submissions (2):

Ambry Genetics
Classification: Uncertain significance for Inborn genetic diseases. Last evaluated: 2025-11-08. Review status: criteria provided, single submitter. Criteria: Ambry Variant Classification Scheme 2023. Collection method: clinical testing. Allele origin: germline.

Labcorp Genetics (formerly Invitae), Labcorp
Classification: Uncertain significance for Hereditary spastic paraplegia 3A. Last evaluated: 2019-11-06. Review status: criteria provided, single submitter. Criteria: Invitae Variant Classification Sherloc (09022015). Collection method: clinical testing. Allele origin: germline.
Comment: In summary, the available evidence is currently insufficient to determine the role of this variant in disease. Therefore, it has been classified as a Variant of Uncertain Significance. This sequence change replaces tyrosine with cysteine at codon 432 of the ATL1 protein (p.Tyr432Cys). The tyrosine residue is highly conserved and there is a large physicochemical difference between tyrosine and cysteine. This variant is present in population databases (rs757055842, ExAC 0.001%). This variant has not been reported in the literature in individuals with ATL1-related conditions. Algorithms developed to predict the effect of missense changes on protein structure and function (SIFT, PolyPhen-2, Align-GVGD) all suggest that this variant is likely to be disruptive, but these predictions have not been confirmed by published functional studies and their clinical significance is uncertain.

NM_015915.5(ATL1):c.1295A>G (p.Tyr432Cys)

Gene: ATL1 (atlastin GTPase 1; plus strand). Cytogenetic location: 14q22.1.
Variant type: single nucleotide variant.
Coding change: c.1295A>G on transcript NM_015915.5 (MANE Select); coding-DNA position 1295, A replaced by G.
Protein change: p.Tyr432Cys; replaces tyrosine 432 with cysteine.
Molecular consequence: missense variant.
Genome position (GRCh38, 1-based): chr14:50,628,206, A>G. VCF-style: chr14-50628206-A-G. GRCh37 (hg19) VCF-style: chr14-51094924-A-G.
Other names: c.1295A>G, p.Tyr432Cys (NM_001127713.1, NM_181598.4); short protein forms Y432C.
Identifiers: ClinVar variation 957744 (VCV000957744.10), dbSNP rs757055842, ClinGen allele CA7180461.